The following is an entry in ClinVar:

ClinVar aggregate classification (germline): Uncertain significance (1 of 4 stars; one submission).

Submission:

Ambry Genetics
Classification: Uncertain significance. Last evaluated: 2021-12-10. Review status: criteria provided, single submitter. Criteria: Ambry Variant Classification Scheme 2023. Collection method: clinical testing. Allele origin: germline.
Comment: The p.N1102K variant (also known as c.3306T>A), located in coding exon 17 of the NPAT gene, results from a T to A substitution at nucleotide position 3306. The asparagine at codon 1102 is replaced by lysine, an amino acid with similar properties. This amino acid position is conserved. In addition, this alteration is predicted to be tolerated by in silico analysis. Since supporting evidence is limited at this time, the clinical significance of this alteration remains unclear.

NM_002519.3(NPAT):c.3306T>A (p.Asn1102Lys)

Gene: NPAT (nuclear protein, coactivator of histone transcription; minus strand). Cytogenetic location: 11q22.3.
Variant type: single nucleotide variant.
Coding change: c.3306T>A on transcript NM_002519.3 (MANE Select); coding-DNA position 3306, T replaced by A.
Protein change: p.Asn1102Lys; replaces asparagine 1102 with lysine.
Molecular consequence: missense variant.
Genome position (GRCh38, 1-based): chr11:108,161,780, A>T on the plus strand (T>A on the coding strand, the complement: NPAT is on the minus strand). VCF-style: chr11-108161780-A-T. GRCh37 (hg19) VCF-style: chr11-108032507-A-T.
Other names: c.3327T>A, p.Asn1109Lys (NM_001321307.1); short protein forms N1109K, N1102K.
Identifiers: ClinVar variation 1730025 (VCV001730025.2), dbSNP rs1201841114, ClinGen allele CA382511096.